The following is an entry in ClinVar:

NM_145331.3(MAP3K7):c.1025A>G (p.Asn342Ser)

Gene: MAP3K7 (mitogen-activated protein kinase kinase kinase 7; minus strand). Cytogenetic location: 6q15.
Variant type: single nucleotide variant.
Coding change: c.1025A>G on transcript NM_145331.3 (MANE Select); coding-DNA position 1025, A replaced by G.
Protein change: p.Asn342Ser; replaces asparagine 342 with serine.
Molecular consequence: missense variant.
Genome position (GRCh38, 1-based): chr6:90,548,102, T>C on the plus strand (A>G on the coding strand, the complement: MAP3K7 is on the minus strand). VCF-style: chr6-90548102-T-C. GRCh37 (hg19) VCF-style: chr6-91257821-T-C.
Other names: c.1025A>G, p.Asn342Ser (NM_003188.4, NM_145332.3, NM_145333.3); short protein forms N342S.
Identifiers: ClinVar variation 4881133 (VCV004881133.2).

ClinVar aggregate classification (germline): Uncertain significance (1 of 4 stars; one submission).

gnomAD v4.1: 1 of 1,612,428 alleles (0.000062%); highest among the groups gnomAD compares: Non-Finnish European, 0.000085%; no homozygotes.

Submission:

Dasa
Classification: Uncertain significance. Last evaluated: 2025-09-21. Review status: criteria provided, single submitter. Criteria: DASA Assertion Criteria. Collection method: clinical testing. Allele origin: germline.
Comment: NM_145331.3(MAP3K7):c.1025A>G (p.Asn342Ser) is a missense variant that results in the substitution of asparagine with serine. This variant is rare in population databases. The currently available literature and clinical evidence are not sufficient to establish a definitive association between this variant and the reported condition. Therefore, this variant is classified as a variant of uncertain significance.